The following continues an entry in ClinVar:

NM_000277.3(PAH):c.754C>T (p.Arg252Trp)

Gene: PAH. ClinVar aggregate classification (germline): Pathogenic. Pathogenic (1).

Submissions 13 to 20 of 20:

Women's Health and Genetics/Laboratory Corporation of America, LabCorp
Classification: Pathogenic for Phenylketonuria. Last evaluated: 2018-04-26. Review status: criteria provided, single submitter. Criteria: LabCorp Variant Classification Summary - May 2015. Collection method: clinical testing. Allele origin: germline. Not counted in ClinVar's aggregate classification.
Comment: Variant summary: PAH c.754C>T (p.Arg252Trp) results in a non-conservative amino acid change located in the Aromatic amino acid hydroxylase, C-terminal of the encoded protein sequence. Five of five in-silico tools predict a damaging effect of the variant on protein function. The variant allele was found at a frequency of 4.9e-05 in 121328 control chromosomes (ExAC). This frequency is not significantly higher than expected for a pathogenic variant in PAH causing Phenylalanine Hydroxylase Deficiency (Phenylketonuria) (4.9e-05 vs 0.0079), allowing no conclusion about variant significance. The variant, c.754C>T, has been reported in the literature in numerous individuals affected with Phenylalanine Hydroxylase Deficiency (Phenylketonuria) in both the compound heterozygous and homozygous states (Aldmiz-Echevarra_2016, Dobrowolski_2011, Jeannesson-Thivisol_2015) and enzyme activity has been reported in patients as <10% of normal activity. Three clinical diagnostic laboratories have submitted clinical-significance assessments for this variant to ClinVar after 2014 without evidence for independent evaluation. All laboratories classified the variant as pathogenic/likely pathogenic. Based on the evidence outlined above, the variant was classified as pathogenic.

Eurofins Ntd Llc (ga)
Classification: Pathogenic. Last evaluated: 2017-11-13. Review status: criteria provided, single submitter. Criteria: EGL Classification Definitions 2015. Collection method: clinical testing. Allele origin: germline. Observed: 5 variant alleles, 5 heterozygotes. Not counted in ClinVar's aggregate classification.

Clinical Genetics Service, Universitary Hospital 12 de Octubre
Classification: Pathogenic for Phenylketonuria. Review status: criteria provided, single submitter. Criteria: ACMG Guidelines, 2015. Collection method: clinical testing. Allele origin: germline. Affected: yes. Not counted in ClinVar's aggregate classification.

Kariminejad - Najmabadi Pathology & Genetics Center
Classification: Pathogenic for Phenylketonuria. Review status: criteria provided, single submitter. Criteria: ACMG Guidelines, 2015. Collection method: clinical testing. Allele origin: germline. Affected: no. Not counted in ClinVar's aggregate classification.

Laboratory of Medical Genetics, University of Torino
Classification: Pathogenic for Phenylketonuria. Last evaluated: 2021-03-10. Review status: no assertion criteria provided. Collection method: research. Allele origin: inherited. Affected: yes. Not counted in ClinVar's aggregate classification.

Counsyl
Classification: Pathogenic for Phenylketonuria. Last evaluated: 2016-01-21. Review status: no assertion criteria provided. Collection method: clinical testing. Allele origin: unknown. Not counted in ClinVar's aggregate classification.

OMIM
Classification: Pathogenic for PHENYLKETONURIA. Last evaluated: 1994-01-15. Review status: no assertion criteria provided. Collection method: literature only. Allele origin: germline. Not counted in ClinVar's aggregate classification.

DeBelle Laboratory for Biochemical Genetics, MUHC/MCH RESEARCH INSTITUTE
No classification provided. Review status: no classification provided. Collection method: not provided. Allele origin: not provided. Not counted in ClinVar's aggregate classification.

Literature cited by the submitters: PubMed 2574153 (cited by 6 submitters); PubMed 17935162 (cited by 3 submitters); PubMed 18299955 (cited by 3 submitters); PubMed 11524738 (cited by 3 submitters); PubMed 25596310 (cited by 3 submitters); PubMed 8116675 (cited by Labcorp Genetics (formerly Invitae), Labcorp and OMIM); PubMed 17096675 (cited by Labcorp Genetics (formerly Invitae), Labcorp); PubMed 20082265 (cited by Labcorp Genetics (formerly Invitae), Labcorp); PubMed 12655546 (cited by Labcorp Genetics (formerly Invitae), Labcorp and Eurofins Ntd Llc (ga)); PubMed 23500595 (cited by 3 submitters); PubMed 36845377 (cited by Quest Diagnostics Nichols Institute San Juan Capistrano); PubMed 34828281 (cited by Quest Diagnostics Nichols Institute San Juan Capistrano); PubMed 33375644 (cited by Quest Diagnostics Nichols Institute San Juan Capistrano); PubMed 35405047 (cited by Quest Diagnostics Nichols Institute San Juan Capistrano); PubMed 30159852 (cited by Natera, Inc.); PubMed 26351554 (cited by Cellular and Molecular Research Center, Cellular and Molecular Medicine Research Institute,, Urmia University of Medical Sciences); PubMed 21147011 (cited by Women's Health and Genetics/Laboratory Corporation of America, LabCorp); PubMed 26666653 (cited by Women's Health and Genetics/Laboratory Corporation of America, LabCorp); PubMed 12655553 (cited by Counsyl); PubMed 24350308 (cited by Counsyl); PubMed 20920871 (cited by Counsyl); PubMed 12649065 (cited by Counsyl); PubMed 18294361 (cited by Counsyl); PubMed 11461196 (cited by Counsyl); PubMed 24301756 (cited by Counsyl); PubMed 22513348 (cited by Counsyl); PubMed 8831077 (cited by Counsyl); PubMed 10693064 (cited by Counsyl); PubMed 23074961 (cited by Counsyl); PubMed 23792259 (cited by Counsyl); PubMed 8304187 (cited by Counsyl); PubMed 8533759 (cited by Counsyl); PubMed 2044609 (cited by OMIM).